The following is an entry in ClinVar:

ClinVar aggregate classification (germline): Uncertain significance (1 of 4 stars; one submission).

Conditions:
Hereditary sensory and autonomic neuropathy type 6. Also called: HSAN VI; Neuropathy, hereditary sensory and autonomic, type VI. Identifiers: Orphanet 314381, MedGen C3539003, MONDO:0013839, OMIM 614653.
Epidermolysis bullosa simplex 3, localized or generalized intermediate, with BP230 deficiency (EBS3). Also called: Epidermolysis bullosa simplex due to BP230 deficiency; Epidermolysis bullosa simplex, autosomal recessive 2. Identifiers: Orphanet 412181, MedGen C3809470, MONDO:0014180, OMIM 615425.

Allele frequency attached by ClinVar (database versions not stated): gnomAD exomes below 0.00001; TOPMed 0.00001; gnomAD 0.00003 and 0.00004.
gnomAD v4.1: 5 of 1,614,056 alleles (0.00031%); highest among the groups gnomAD compares: African/African-American, 0.0067%; no homozygotes.

Submission:

Labcorp Genetics (formerly Invitae), Labcorp
Classification: Uncertain significance for Epidermolysis bullosa simplex 3, localized or generalized intermediate, with BP230 deficiency; Hereditary sensory and autonomic neuropathy type 6. Last evaluated: 2019-06-24. Review status: criteria provided, single submitter. Criteria: Invitae Variant Classification Sherloc (09022015). Collection method: clinical testing. Allele origin: germline.
Comment: In summary, the available evidence is currently insufficient to determine the role of this variant in disease. Therefore, it has been classified as a Variant of Uncertain Significance. Algorithms developed to predict the effect of missense changes on protein structure and function are either unavailable or do not agree on the potential impact of this missense change (SIFT: "Tolerated"; PolyPhen-2: "Possibly Damaging"; Align-GVGD: "Class C0"). This variant has not been reported in the literature in individuals with DST-related conditions. This variant is not present in population databases (ExAC no frequency). This sequence change replaces asparagine with aspartic acid at codon 2469 of the DST protein (p.Asn2469Asp). The asparagine residue is weakly conserved and there is a small physicochemical difference between asparagine and aspartic acid.

NM_001723.7(DST):c.7405A>G (p.Asn2469Asp)

Gene: DST (dystonin; minus strand). Cytogenetic location: 6p12.1.
Variant type: single nucleotide variant.
Coding change: c.7405A>G on transcript NM_001723.7 (MANE Plus Clinical); coding-DNA position 7405, A replaced by G.
Protein change: p.Asn2469Asp; replaces asparagine 2469 with aspartic acid.
Molecular consequence: missense variant. On other transcripts: intron variant (10).
Genome position (GRCh38, 1-based): chr6:56,616,062, T>C on the plus strand (A>G on the coding strand, the complement: DST is on the minus strand). VCF-style: chr6-56616062-T-C. GRCh37 (hg19) VCF-style: chr6-56480860-T-C.
Other names: c.4831-1578A>G (NM_001144769.5); c.4930-1578A>G (NM_001374722.1, NM_001374736.1); c.4957-1578A>G (NM_001374734.1); c.4417-1578A>G (NM_001144770.2); c.4297-1578A>G (NM_001374730.1, NM_001386100.1, NM_183380.4 and 1 more transcripts); c.3319-1578A>G (NM_015548.5); short protein forms N2469D.
Identifiers: ClinVar variation 943323 (VCV000943323.10), dbSNP rs920107875, ClinGen allele CA139205289.